The following is an entry in ClinVar:

ClinVar aggregate classification (germline): Uncertain significance (1 of 4 stars; one submission).

Submission:

GeneDx
Classification: Uncertain significance. Last evaluated: 2026-03-06. Review status: criteria provided, single submitter. Criteria: GeneDx Variant Classification Process June 2021. Collection method: clinical testing. Allele origin: germline.
Comment: In silico analysis suggests that this variant does not alter splicing; Has not been previously published as pathogenic or benign to our knowledge

NM_000693.4(ALDH1A3):c.69C>T (p.Pro23=)

Gene: ALDH1A3 (aldehyde dehydrogenase 1 family member A3; plus strand). Cytogenetic location: 15q26.3.
Variant type: single nucleotide variant.
Coding change: c.69C>T on transcript NM_000693.4 (MANE Select); coding-DNA position 69, C replaced by T.
Protein change: p.Pro23=; no amino-acid change (proline 23 retained).
Molecular consequence: synonymous variant.
Genome position (GRCh38, 1-based): chr15:100,879,976, C>T. VCF-style: chr15-100879976-C-T. GRCh37 (hg19) VCF-style: chr15-101420181-C-T.
Other names: c.69C>T, p.Pro23= (NM_001293815.2).
Identifiers: ClinVar variation 5008490 (VCV005008490.1).